The following is an entry in ClinVar:

NM_001038.6(SCNN1A):c.777C>G (p.Ile259Met)

Gene: SCNN1A (sodium channel epithelial 1 subunit alpha; minus strand). Cytogenetic location: 12p13.31.
Variant type: single nucleotide variant.
Coding change: c.777C>G on transcript NM_001038.6 (MANE Select); coding-DNA position 777, C replaced by G.
Protein change: p.Ile259Met; replaces isoleucine 259 with methionine.
Molecular consequence: missense variant.
Genome position (GRCh38, 1-based): chr12:6,362,149, G>C on the plus strand (C>G on the coding strand, the complement: SCNN1A is on the minus strand). VCF-style: chr12-6362149-G-C. GRCh37 (hg19) VCF-style: chr12-6471315-G-C.
Other names: c.846C>G, p.Ile282Met (NM_001159575.2); c.954C>G, p.Ile318Met (NM_001159576.2); short protein forms I282M, I318M, I259M.
Identifiers: ClinVar variation 882174 (VCV000882174.12), dbSNP rs866913999, ClinGen allele CA232358416.

ClinVar aggregate classification (germline): Uncertain significance. Review status: criteria provided, multiple submitters, no conflicts (2 of 4 stars). 5 submissions from 4 submitters: Uncertain significance (5). Last evaluated 2025-11-01.

Conditions:
Bronchiectasis with or without elevated sweat chloride 2 (BESC2). Identifiers: Orphanet 60033, MedGen C2751666, MONDO:0013087, OMIM 613021.
Pseudohypoaldosteronism, type IB1, autosomal recessive. Also called: Pseudohypoaldosteronism, Type I, Autosomal Recessive; Pseudohypoaldosteronism, Type I, Recessive; Autosomal recessive pseudohypoaldosteronism type 1; PHA I, AUTOSOMAL RECESSIVE. Identifiers: Orphanet 171876, Orphanet 756, MedGen C5774176, MONDO:0009917, OMIM 264350.
Liddle syndrome 3. Identifiers: MedGen C4748292, MONDO:0029132, OMIM 618126.

Allele frequency attached by ClinVar (database versions not stated): gnomAD exomes below 0.00001 and 0.00001; TOPMed below 0.00001; gnomAD 0.00001.
gnomAD v4.1: 11 of 1,614,090 alleles (0.00068%); highest among the groups gnomAD compares: Middle Eastern, 0.082%; no homozygotes.

Submissions (5):

CeGaT Center for Human Genetics Tuebingen
Classification: Uncertain significance. Last evaluated: 2025-11-01. Review status: criteria provided, single submitter. Criteria: CeGaT Center For Human Genetics Tuebingen Variant Classification Criteria Version 2. Collection method: clinical testing. Allele origin: germline. Affected: yes. Observed: 1 variant allele.
Comment: SCNN1A: PM2, PM3:Supporting

Fulgent Genetics
Classification: Uncertain significance for Pseudohypoaldosteronism, type IB1, autosomal recessive; Bronchiectasis with or without elevated sweat chloride 2; Liddle syndrome 3. Last evaluated: 2022-05-18. Review status: criteria provided, single submitter. Criteria: ACMG Guidelines, 2015. Collection method: clinical testing. Allele origin: unknown.

Illumina Laboratory Services, Illumina
Classification: Uncertain significance for Bronchiectasis with or without elevated sweat chloride 2. Last evaluated: 2018-01-13. Review status: criteria provided, single submitter. Criteria: ICSL Variant Classification Criteria 13 December 2019. Collection method: clinical testing. Allele origin: germline.

Illumina Laboratory Services, Illumina
Classification: Uncertain significance for Pseudohypoaldosteronism, type IB1, autosomal recessive. Last evaluated: 2018-01-13. Review status: criteria provided, single submitter. Criteria: ICSL Variant Classification Criteria 13 December 2019. Collection method: clinical testing. Allele origin: germline.

Breakthrough Genomics
Classification: Uncertain significance. Review status: criteria provided, single submitter. Criteria: ACMG Guidelines, 2015. Collection method: not provided. Allele origin: germline. Inheritance: Autosomal recessive inheritance. Affected: yes.